The following is an entry in ClinVar:

NM_006580.4(CLDN16):c.243G>T (p.Leu81Phe)

Gene: CLDN16 (claudin 16; plus strand). Cytogenetic location: 3q28.
Variant type: single nucleotide variant.
Coding change: c.243G>T on transcript NM_006580.4 (MANE Select); coding-DNA position 243, G replaced by T.
Protein change: p.Leu81Phe; replaces leucine 81 with phenylalanine.
Molecular consequence: missense variant.
Genome position (GRCh38, 1-based): chr3:190,404,787, G>T. VCF-style: chr3-190404787-G-T. GRCh37 (hg19) VCF-style: chr3-190122576-G-T.
Other names: c.243G>T, p.Leu81Phe (NM_001378492.1, NM_001378493.1); short protein forms L151F, L81F.
Identifiers: ClinVar variation 5934 (VCV000005934.59), dbSNP rs104893729, ClinGen allele CA117867.

ClinVar aggregate classification (germline): Pathogenic. Review status: criteria provided, multiple submitters, no conflicts (2 of 4 stars). 9 submissions from 9 submitters: Pathogenic (8). 1 of the submissions does not count toward it. Last evaluated 2026-02-10.

Conditions:
CLDN16-related disorder. Also called: CLDN16-related condition.
Primary hypomagnesemia (HOMG3). Also called: HYPOMAGNESEMIA 3, RENAL; HYPOMAGNESEMIA, FAMILIAL, WITH HYPERCALCIURIA AND NEPHROCALCINOSIS; HYPOMAGNESEMIA, ISOLATED RENAL; HYPOMAGNESEMIA, PRIMARY, DUE TO DEFECT IN RENAL TUBULAR TRANSPORT OF MAGNESIUM. Identifiers: Orphanet 31043, MedGen C0268448, MONDO:0009550, OMIM 248250.

Allele frequency attached by ClinVar (database versions not stated): gnomAD 0.00001 and 0.00002; ExAC 0.00006; gnomAD exomes 0.00007; TOPMed 0.00008.
gnomAD v4.1: 103 of 1,613,992 alleles (0.0064%); highest among the groups gnomAD compares: Non-Finnish European, 0.0085%; no homozygotes.

Submissions (9):

Institute of Human Genetics, University of Leipzig Medical Center
Classification: Pathogenic for Primary hypomagnesemia. Last evaluated: 2026-02-10. Review status: criteria provided, single submitter. Criteria: ACMG Guidelines, 2015. Collection method: clinical testing. Allele origin: unknown. Inheritance: Autosomal recessive inheritance. Affected: yes.
Comment: Criteria applied: PM3_VSTR,PVS1_MOD,PM2

Labcorp Genetics (formerly Invitae), Labcorp
Classification: Pathogenic. Last evaluated: 2026-01-14. Review status: criteria provided, single submitter. Criteria: Invitae Variant Classification Sherloc (09022015). Collection method: clinical testing. Allele origin: germline.
Comment: This sequence change replaces leucine, which is neutral and non-polar, with phenylalanine, which is neutral and non-polar, at codon 151 of the CLDN16 protein (p.Leu151Phe). The frequency data for this variant in the population databases is considered unreliable, as metrics indicate poor data quality at this position in the gnomAD database. This missense change has been observed in individual(s) with familial hypomagnesemia with hypercalciuria and nephrocalcinosis (PMID: 10878661). In at least one individual the data is consistent with being in trans (on the opposite chromosome) from a pathogenic variant. It has also been observed to segregate with disease in related individuals. ClinVar contains an entry for this variant (Variation ID: 5934). Invitae Evidence Modeling of protein sequence and biophysical properties (such as structural, functional, and spatial information, amino acid conservation, physicochemical variation, residue mobility, and thermodynamic stability) has been performed for this missense variant. However, the output from this modeling did not meet the statistical confidence thresholds required to predict the impact of this variant on CLDN16 protein function. Algorithms developed to predict the effect of sequence changes on RNA splicing suggest that this variant may disrupt the consensus splice site. For these reasons, this variant has been classified as Pathogenic.

CeGaT Center for Human Genetics Tuebingen
Classification: Pathogenic. Last evaluated: 2025-11-01. Review status: criteria provided, single submitter. Criteria: CeGaT Center For Human Genetics Tuebingen Variant Classification Criteria Version 2. Collection method: clinical testing. Allele origin: germline. Affected: yes. Observed: 2 variant alleles.
Comment: CLDN16: PM3:Very Strong, PM2, PP3, PS3:Supporting

Rare Kidney Stone Consortium and the Mayo Clinic Hyperoxaluria Center, Mayo Clinic
Classification: Pathogenic for Primary hypomagnesemia. Last evaluated: 2025-10-03. Review status: criteria provided, single submitter. Criteria: ACMG Guidelines, 2015. Collection method: research. Allele origin: germline. Observed: 1 variant allele.
Comment: ACMG:PM1, PM2, PM5, PP2, PP3, PP5

Blueprint Genetics
Classification: Pathogenic for CLDN16-related disorders. Last evaluated: 2024-09-12. Review status: criteria provided, single submitter. Criteria: ACMG Guidelines, 2015. Collection method: clinical testing. Allele origin: germline. Affected: yes. Observed: 5 variant alleles.

Fulgent Genetics
Classification: Pathogenic for Primary hypomagnesemia. Last evaluated: 2024-04-17. Review status: criteria provided, single submitter. Criteria: ACMG Guidelines, 2015. Collection method: clinical testing. Allele origin: germline.

Victorian Clinical Genetics Services, Murdoch Childrens Research Institute
Classification: Pathogenic for Primary hypomagnesemia. Last evaluated: 2018-11-26. Review status: criteria provided, single submitter. Criteria: ACMG Guidelines, 2015. Collection method: clinical testing. Allele origin: unknown. Affected: yes.
Comment: A homozygous missense variant, NM_006580.3(CLDN16):c.453G>T, has been identified in exon 3 of 5 of the CLDN16 gene. The variant is predicted to result in a minor amino acid change from leucine to phenylalanine at position 151 of the protein (NP_006571.1(CLDN16):p.(Leu151Phe)). The leucine residue at this position has moderate conservation (100 vertebrates, UCSC), and is located within the Claudin superfamily domain. In silico predictions for this variant are consistently pathogenic (PolyPhen, SIFT, CADD, MutationTaster). The variant is present in the gnomAD database at a frequency of 0.007% (19 heterozygotes; 0 homozygotes). More than 33 homozygous CLDN16 p.(Leu151Phe) cases with Familial hypomagnesaemia with hypercalciuria and nephrocalcinosis (FHHNC) have been reported to date (ClinVar, OMIM, Weber, S. et al. (2000), Weber, S. et al. (2001), Konrad, M. et al. (2008), Li, H. et al. (2017)). The mutation is likely due to a founder effect in the European population (Weber, S. et al. (2001)). The homozygous variant has been reported to segregate with disease in 25 unrelated non-consanguinous families (Konrad, M. et al. (2008)). In addition, functional assays have shown >40% residual function of CLDN16 in cells expressing this variant, which corresponded with a later disease onset and slower progression of renal failure, compared to complete loss of function variants (Konrad, M. et al. (2008)). Alternate changes at residue 151 to tryptophan and proline have also been reported as pathogenic (ClinVar, Weber, S. et al. (2000), Konrad, M. et al. (2008)). Based on the information available at the time of curation, this variant has been classified as PATHOGENIC.

Illumina Laboratory Services, Illumina
Classification: Pathogenic for Primary hypomagnesemia. Last evaluated: 2017-09-14. Review status: criteria provided, single submitter. Criteria: ICSL Variant Classification Criteria 09 May 2019. Collection method: clinical testing. Allele origin: germline.
Comment: Across a selection of the available literature, the CLDN16 c.453G>T (p.Leu151Phe) missense variant has been identified in at least 28 individuals from more than 18 unrelated families with primary hypomagnesemia with hypercalciuria and nephrocalcinosis, including in a homozygous state in at least 18 individuals and in a compound heterozygous state in at least 10 individuals (Weber et al. 2000; Peco-AntiÄ‡ et al. 2010; Sikora et al. 2015). The variant was further identified in a heterozygous state in eight unaffected carrier parents (Weber et al. 2000). Two heterozygotes from one family had hypercalciuria but not primary hypomagnesemia (Tasic et al. 2005). The p.Leu151Phe variant was absent from 150 controls (Weber et al. 2000; Sikora et al. 2015) but is reported at a frequency of 0.00013 in the European (non-Finnish) population of the Genome Aggregation Database. Extended haplotype analysis suggests the p.Leu151Phe variant is likely a founder variant among patients originating from Germany or eastern European countries (Weber et al. 2000; Weber et al. 2001). Functional studies demonstrated that in transfected LLC-PK1 cells, the p.Leu151Phe variant led to partial function of the paracellin-1 protein compared to wild type (Hou et al. 2005). Based on the collective evidence, the p.Leu151Phe variant is classified as pathogenic for primary hypomagnesemia. This variant was observed by ICSL as part of a predisposition screen in an ostensibly healthy population.

OMIM
Classification: Pathogenic for HYPOMAGNESEMIA 3, RENAL. Last evaluated: 2000-06-01. Review status: no assertion criteria provided. Collection method: literature only. Allele origin: germline. Not counted in ClinVar's aggregate classification.

Literature cited by the submitters: PubMed 10878661 (cited by 4 submitters); PubMed 16234325 (cited by Rare Kidney Stone Consortium and the Mayo Clinic Hyperoxaluria Center, Mayo Clinic and Illumina Laboratory Services, Illumina); PubMed 15856319 (cited by Rare Kidney Stone Consortium and the Mayo Clinic Hyperoxaluria Center, Mayo Clinic and Illumina Laboratory Services, Illumina); PubMed 17347984 (cited by Rare Kidney Stone Consortium and the Mayo Clinic Hyperoxaluria Center, Mayo Clinic); PubMed 18253757 (cited by Rare Kidney Stone Consortium and the Mayo Clinic Hyperoxaluria Center, Mayo Clinic); PubMed 20607983 (cited by Rare Kidney Stone Consortium and the Mayo Clinic Hyperoxaluria Center, Mayo Clinic and Illumina Laboratory Services, Illumina); PubMed 25477417 (cited by Rare Kidney Stone Consortium and the Mayo Clinic Hyperoxaluria Center, Mayo Clinic and Illumina Laboratory Services, Illumina); PubMed 30621608 (cited by Rare Kidney Stone Consortium and the Mayo Clinic Hyperoxaluria Center, Mayo Clinic); PubMed 34426522 (cited by Rare Kidney Stone Consortium and the Mayo Clinic Hyperoxaluria Center, Mayo Clinic); PubMed 38547852 (cited by Rare Kidney Stone Consortium and the Mayo Clinic Hyperoxaluria Center, Mayo Clinic); PubMed 40794449 (cited by Rare Kidney Stone Consortium and the Mayo Clinic Hyperoxaluria Center, Mayo Clinic); PubMed 11518780 (cited by Illumina Laboratory Services, Illumina); PubMed 668721 (cited by OMIM).